The following is an entry in ClinVar:

NM_001130438.3(SPTAN1):c.1741G>A (p.Asp581Asn)

Gene: SPTAN1 (spectrin alpha, non-erythrocytic 1; plus strand). Cytogenetic location: 9q34.11.
Variant type: single nucleotide variant.
Coding change: c.1741G>A on transcript NM_001130438.3 (MANE Select); coding-DNA position 1741, G replaced by A.
Protein change: p.Asp581Asn; replaces aspartic acid 581 with asparagine.
Molecular consequence: missense variant.
Genome position (GRCh38, 1-based): chr9:128,582,784, G>A. VCF-style: chr9-128582784-G-A. GRCh37 (hg19) VCF-style: chr9-131345063-G-A.
Other names: c.1741G>A, p.Asp581Asn (NM_001195532.2, NM_001363759.2, NM_001363765.2 and 5 more transcripts); c.1777G>A, p.Asp593Asn (NM_001375312.2, NM_001375318.1); short protein forms D581N, D593N.
Identifiers: ClinVar variation 1915203 (VCV001915203.5), dbSNP rs373030015, ClinGen allele CA5264498.

ClinVar aggregate classification (germline): Uncertain significance (1 of 4 stars; one submission).

Conditions:
Early-infantile DEE. Also called: Early infantile epileptic encephalopathy; Ohtahara syndrome; Early infantile epileptic encephalopathy with suppression bursts. Identifiers: Orphanet 1934, MedGen C0393706, MONDO:0800491.

Allele frequency attached by ClinVar (database versions not stated): TOPMed 0.00001; ESP Exome Variant Server 0.00008; gnomAD exomes below 0.00001; ExAC 0.00001; gnomAD 0.00001.
gnomAD v4.1: 3 of 1,613,870 alleles (0.00019%); highest among the groups gnomAD compares: African/African-American, 0.0027%; no homozygotes.

Submission:

Labcorp Genetics (formerly Invitae), Labcorp
Classification: Uncertain significance for Early-infantile DEE. Last evaluated: 2022-09-02. Review status: criteria provided, single submitter. Criteria: Invitae Variant Classification Sherloc (09022015). Collection method: clinical testing. Allele origin: germline.
Comment: This variant has not been reported in the literature in individuals affected with SPTAN1-related conditions. This variant is present in population databases (rs373030015, gnomAD 0.007%). In summary, the available evidence is currently insufficient to determine the role of this variant in disease. Therefore, it has been classified as a Variant of Uncertain Significance. Algorithms developed to predict the effect of missense changes on protein structure and function are either unavailable or do not agree on the potential impact of this missense change (SIFT: "Deleterious"; PolyPhen-2: "Probably Damaging"; Align-GVGD: "Class C15"). This sequence change replaces aspartic acid, which is acidic and polar, with asparagine, which is neutral and polar, at codon 581 of the SPTAN1 protein (p.Asp581Asn).